The following is an entry in ClinVar:

ClinVar aggregate classification (germline): Pathogenic (1 of 4 stars; one submission).

Conditions:
Autosomal recessive limb-girdle muscular dystrophy type 2C (LGMDR5). Also called: MUSCULAR DYSTROPHY, DUCHENNE-LIKE; MUSCULAR DYSTROPHY, LIMB-GIRDLE, AUTOSOMAL RECESSIVE 5. Identifiers: Orphanet 353, MedGen C0410173, MONDO:0009677, OMIM 253700. Disease mechanism: Affects gamma-sarcoglycan and also disrupts the integrity of the entire sarcoglycan complex..

Submission:

Labcorp Genetics (formerly Invitae), Labcorp
Classification: Pathogenic for Autosomal recessive limb-girdle muscular dystrophy type 2C. Last evaluated: 2023-11-18. Review status: criteria provided, single submitter. Criteria: Invitae Variant Classification Sherloc (09022015). Collection method: clinical testing. Allele origin: germline.
Comment: This variant is a gross deletion of the genomic region encompassing exon(s) 4-5 of the SGCG gene. This deletion is out-of-frame, and is expected to create a premature termination codon and result in an absent or disrupted protein product. Loss-of-function variants in SGCG are known to be pathogenic (PMID: 18285821). This variant has not been reported in the literature in individuals affected with SGCG-related conditions. For these reasons, this variant has been classified as Pathogenic.

Literature cited by the submitters: PubMed 18285821.

NC_000013.10:g.(?_23824749)_(23853637_?)del

Gene: SGCG (sarcoglycan gamma; plus strand). Cytogenetic location: 13q12.12.
Variant type: Deletion.
Identifiers: ClinVar variation 1459732 (VCV001459732.8).